The following is an entry in ClinVar:

ClinVar aggregate classification (germline): Uncertain significance (1 of 4 stars; one submission).

gnomAD v4.1: 1 of 1,614,244 alleles (0.000062%); highest among the groups gnomAD compares: Admixed American, 0.0017%; no homozygotes.

Submission:

Labcorp Genetics (formerly Invitae), Labcorp
Classification: Uncertain significance. Last evaluated: 2025-11-03. Review status: criteria provided, single submitter. Criteria: Invitae Variant Classification Sherloc (09022015). Collection method: clinical testing. Allele origin: germline.
Comment: This sequence change replaces proline, which is neutral and non-polar, with serine, which is neutral and polar, at codon 814 of the REST protein (p.Pro814Ser). This variant is present in population databases (no rsID available, gnomAD 0.003%). This variant has not been reported in the literature in individuals affected with REST-related conditions. ClinVar contains an entry for this variant (Variation ID: 3718919). An algorithm developed to predict the effect of missense changes on protein structure and function outputs the following: PolyPhen-2: "Benign". The serine amino acid residue is found in multiple mammalian species, which suggests that this missense change does not adversely affect protein function. In summary, the available evidence is currently insufficient to determine the role of this variant in disease. Therefore, it has been classified as a Variant of Uncertain Significance.

NM_005612.5(REST):c.2440C>T (p.Pro814Ser)

Gene: REST (RE1 silencing transcription factor; plus strand). Cytogenetic location: 4q12.
Variant type: single nucleotide variant.
Coding change: c.2440C>T on transcript NM_005612.5 (MANE Select); coding-DNA position 2440, C replaced by T.
Protein change: p.Pro814Ser; replaces proline 814 with serine.
Molecular consequence: missense variant.
Genome position (GRCh38, 1-based): chr4:56,931,298, C>T. VCF-style: chr4-56931298-C-T. GRCh37 (hg19) VCF-style: chr4-57797464-C-T.
Other names: c.2440C>T, p.Pro814Ser (NM_001193508.2, NM_001363453.3); short protein forms P814S.
Identifiers: ClinVar variation 3718919 (VCV003718919.2).